The following is an entry in ClinVar:

NM_003722.5(TP63):c.566C>A (p.Ser189Ter)

Gene: TP63 (tumor protein p63; plus strand). Cytogenetic location: 3q28.
Variant type: single nucleotide variant.
Coding change: c.566C>A on transcript NM_003722.5 (MANE Select); coding-DNA position 566, C replaced by A.
Protein change: p.Ser189Ter; replaces serine 189 with a stop codon.
Molecular consequence: nonsense. On other transcripts: intron variant (2).
Genome position (GRCh38, 1-based): chr3:189,808,513, C>A. VCF-style: chr3-189808513-C-A. GRCh37 (hg19) VCF-style: chr3-189526302-C-A.
Other names: c.566C>A, p.Ser189Ter (NM_001114978.2, NM_001114979.2, NM_001329144.2 and 1 more transcripts); c.284C>A, p.Ser95Ter (NM_001114980.2, NM_001114981.2, NM_001114982.2 and 2 more transcripts); c.560C>A, p.Ser187Ter (NM_001329964.2); c.42+18671C>A (NM_001329146.2, NM_001329150.2); short protein forms S95*, S187*, S189*.
Identifiers: ClinVar variation 3659797 (VCV003659797.1).

ClinVar aggregate classification (germline): Pathogenic (1 of 4 stars; one submission).

Conditions:
TP63-Related Spectrum Disorders.

Submission:

Labcorp Genetics (formerly Invitae), Labcorp
Classification: Pathogenic. Last evaluated: 2024-07-17. Review status: criteria provided, single submitter. Criteria: Invitae Variant Classification Sherloc (09022015). Collection method: clinical testing. Allele origin: germline.
Comment: This sequence change creates a premature translational stop signal (p.Ser189*) in the TP63 gene. It is expected to result in an absent or disrupted protein product. Loss-of-function variants in TP63 are known to be pathogenic (PMID: 18626511, 23463580). This variant is not present in population databases (gnomAD no frequency). This variant has not been reported in the literature in individuals affected with TP63-related conditions. For these reasons, this variant has been classified as Pathogenic.

Literature cited by the submitters: PubMed 18626511; PubMed 23463580.